The following is an entry in ClinVar:

NM_006950.3(SYN1):c.528-2A>T

Gene: SYN1 (synapsin I; minus strand). Cytogenetic location: Xp11.23.
Variant type: single nucleotide variant.
Coding change: c.528-2A>T on transcript NM_006950.3 (MANE Select); the canonical splice acceptor site of the intron before coding-DNA position 528, A replaced by T.
Molecular consequence: splice acceptor variant.
Genome position (GRCh38, 1-based): chrX:47,605,381, T>A on the plus strand (A>T on the coding strand, the complement: SYN1 is on the minus strand). VCF-style: chrX-47605381-T-A. GRCh37 (hg19) VCF-style: chrX-47464780-T-A.
Other names: c.528-2A>T (NM_133499.2).
Identifiers: ClinVar variation 465099 (VCV000465099.37), dbSNP rs1556860663, ClinGen allele CA412825476.

ClinVar aggregate classification (germline): Pathogenic/Likely pathogenic. Review status: criteria provided, multiple submitters, no conflicts (2 of 4 stars). 4 submissions from 4 submitters: Pathogenic (2); Likely pathogenic (2). Last evaluated 2022-08-16.

Conditions:
Epilepsy, X-linked 1, with variable learning disabilities and behavior disorders. Also called: X-linked epilepsy-learning disabilities-behavior disorders syndrome. Identifiers: Orphanet 85294, MedGen C5774177, MONDO:0010339, OMIM 300491.

Submissions (4):

Labcorp Genetics (formerly Invitae), Labcorp
Classification: Likely pathogenic for Epilepsy, X-linked 1, with variable learning disabilities and behavior disorders. Last evaluated: 2022-08-16. Review status: criteria provided, single submitter. Criteria: Invitae Variant Classification Sherloc (09022015). Collection method: clinical testing. Allele origin: germline.
Comment: ClinVar contains an entry for this variant (Variation ID: 465099). This variant has not been reported in the literature in individuals affected with SYN1-related conditions. This variant is not present in population databases (gnomAD no frequency). This sequence change affects an acceptor splice site in intron 3 of the SYN1 gene. It is expected to disrupt RNA splicing. Variants that disrupt the donor or acceptor splice site typically lead to a loss of protein function (PMID: 16199547), and loss-of-function variants in SYN1 are known to be pathogenic (PMID: 14985377, 21441247). In summary, the currently available evidence indicates that the variant is pathogenic, but additional data are needed to prove that conclusively. Therefore, this variant has been classified as Likely Pathogenic. Algorithms developed to predict the effect of sequence changes on RNA splicing suggest that this variant may disrupt the consensus splice site.

Institute for Human Genetics, University Hospital Essen
Classification: Pathogenic for Epilepsy, X-linked 1, with variable learning disabilities and behavior disorders. Last evaluated: 2022-07-30. Review status: criteria provided, single submitter. Criteria: ACMG Guidelines, 2015. Collection method: clinical testing. Allele origin: maternal. Affected: yes.

GeneDx
Classification: Pathogenic. Last evaluated: 2021-10-25. Review status: criteria provided, single submitter. Criteria: GeneDx Variant Classification Process June 2021. Collection method: clinical testing. Allele origin: germline. Affected: yes.
Comment: Canonical splice site variant predicted to result in a null allele in a gene for which loss-of-function is a known mechanism of disease; Not observed at significant frequency in large population cohorts (Lek et al., 2016); Has not been previously published as pathogenic or benign to our knowledge

Revvity Omics, Revvity
Classification: Likely pathogenic. Last evaluated: 2020-05-01. Review status: criteria provided, single submitter. Criteria: ACMG Guidelines, 2015. Collection method: clinical testing. Allele origin: germline.

Literature cited by the submitters: PubMed 16199547 (cited by Labcorp Genetics (formerly Invitae), Labcorp); PubMed 14985377 (cited by Labcorp Genetics (formerly Invitae), Labcorp); PubMed 21441247 (cited by Labcorp Genetics (formerly Invitae), Labcorp); PubMed 36568968 (cited by Institute for Human Genetics, University Hospital Essen).